The following is an entry in ClinVar:

ClinVar aggregate classification (germline): Uncertain significance (1 of 4 stars; one submission).

Conditions:
Inborn genetic diseases. Identifiers: MedGen C0950123, MeSH D030342.

gnomAD v4.1: 10 of 1,613,208 alleles (0.00062%); highest among the groups gnomAD compares: East Asian, 0.0045%; no homozygotes.

Submission:

Ambry Genetics
Classification: Uncertain significance for Inborn genetic diseases. Last evaluated: 2025-10-29. Review status: criteria provided, single submitter. Criteria: Ambry Variant Classification Scheme 2023. Collection method: clinical testing. Allele origin: germline.
Comment: The p.P304R variant (also known as c.911C>G), located in coding exon 6 of the G6PC3 gene, results from a C to G substitution at nucleotide position 911. The proline at codon 304 is replaced by arginine, an amino acid with dissimilar properties. This amino acid position is conserved. In addition, the in silico prediction for this alteration is inconclusive. Based on the available evidence, the clinical significance of this variant remains unclear.

NM_138387.4(G6PC3):c.911C>G (p.Pro304Arg)

Gene: G6PC3 (glucose-6-phosphatase catalytic subunit 3; plus strand). Cytogenetic location: 17q21.31.
Variant type: single nucleotide variant.
Coding change: c.911C>G on transcript NM_138387.4 (MANE Select); coding-DNA position 911, C replaced by G.
Protein change: p.Pro304Arg; replaces proline 304 with arginine.
Molecular consequence: missense variant. On other transcripts: 3 prime UTR variant (1).
Genome position (GRCh38, 1-based): chr17:44,075,913, C>G. VCF-style: chr17-44075913-C-G. GRCh37 (hg19) VCF-style: chr17-42153281-C-G.
Other names: c.*204C>G (NM_001319945.2); c.566C>G, p.Pro189Arg (NM_001384165.1, NM_001384166.1, NM_001384167.1 and 1 more transcripts); short protein forms P189R, P304R.
Identifiers: ClinVar variation 4620509 (VCV004620509.1).